The following is an entry in ClinVar:

ClinVar aggregate classification (germline): Uncertain significance (1 of 4 stars; one submission).

Conditions:
Familial acute necrotizing encephalopathy (IIAE3). Also called: ENCEPHALOPATHY, ACUTE, INFECTION-INDUCED, SUSCEPTIBILITY TO, 3; Susceptibility to Acute Necrotizing Encephalopathy 1. Identifiers: Orphanet 88619, MedGen C2675556, MONDO:0011953, OMIM 608033.

Submission:

Labcorp Genetics (formerly Invitae), Labcorp
Classification: Uncertain significance for Familial acute necrotizing encephalopathy. Last evaluated: 2022-11-23. Review status: criteria provided, single submitter. Criteria: Invitae Variant Classification Sherloc (09022015). Collection method: clinical testing. Allele origin: germline.
Comment: This variant is not present in population databases (gnomAD no frequency). This sequence change falls in intron 13 of the RANBP2 gene. It does not directly change the encoded amino acid sequence of the RANBP2 protein. It affects a nucleotide within the consensus splice site. This variant has not been reported in the literature in individuals affected with RANBP2-related conditions. In summary, the available evidence is currently insufficient to determine the role of this variant in disease. Therefore, it has been classified as a Variant of Uncertain Significance. Variants that disrupt the consensus splice site are a relatively common cause of aberrant splicing (PMID: 17576681, 9536098). Algorithms developed to predict the effect of sequence changes on RNA splicing suggest that this variant is not likely to affect RNA splicing.

Literature cited by the submitters: PubMed 17576681; PubMed 9536098.

NM_006267.5(RANBP2):c.1917+6A>G

Gene: RANBP2 (RAN binding protein 2; plus strand). Cytogenetic location: 2q13.
Variant type: single nucleotide variant.
Coding change: c.1917+6A>G on transcript NM_006267.5 (MANE Select); 6 bases into the intron after coding-DNA position 1917, A replaced by G.
Molecular consequence: intron variant.
Genome position (GRCh38, 1-based): chr2:108,753,165, A>G. VCF-style: chr2-108753165-A-G. GRCh37 (hg19) VCF-style: chr2-109369621-A-G.
Other names: c.1917+6A>G (NM_001415871.1, NM_001415873.1); c.1914+6A>G (NM_001415872.1).
Identifiers: ClinVar variation 2816010 (VCV002816010.3), dbSNP rs1676038990, ClinGen allele CA1278286807.